The following is an entry in ClinVar:

ClinVar aggregate classification (germline): Uncertain significance (1 of 4 stars; one submission).

Conditions:
Cardiovascular phenotype. Identifiers: MedGen CN230736.

Submission:

Ambry Genetics
Classification: Uncertain significance for Cardiovascular phenotype. Last evaluated: 2024-03-10. Review status: criteria provided, single submitter. Criteria: Ambry Variant Classification Scheme 2023. Collection method: clinical testing. Allele origin: germline.
Comment: The p.T927P variant (also known as c.2779A>C), located in coding exon 8 of the HCN4 gene, results from an A to C substitution at nucleotide position 2779. The threonine at codon 927 is replaced by proline, an amino acid with highly similar properties. This amino acid position is conserved. In addition, the in silico prediction for this alteration is inconclusive. Based on the available evidence, the clinical significance of this alteration remains unclear.

NM_005477.3(HCN4):c.2779A>C (p.Thr927Pro)

Gene: HCN4 (hyperpolarization activated cyclic nucleotide gated potassium channel 4; minus strand). Cytogenetic location: 15q24.1.
Variant type: single nucleotide variant.
Coding change: c.2779A>C on transcript NM_005477.3 (MANE Select); coding-DNA position 2779, A replaced by C.
Protein change: p.Thr927Pro; replaces threonine 927 with proline.
Molecular consequence: missense variant.
Genome position (GRCh38, 1-based): chr15:73,323,314, T>G on the plus strand (A>C on the coding strand, the complement: HCN4 is on the minus strand). VCF-style: chr15-73323314-T-G. GRCh37 (hg19) VCF-style: chr15-73615655-T-G.
Other names: short protein forms T927P.
Identifiers: ClinVar variation 3224720 (VCV003224720.1), dbSNP rs1595819811, ClinGen allele CA393088048.